The following is an entry in ClinVar:

NM_032122.5(DTNBP1):c.161+2T>G

Gene: DTNBP1 (dystrobrevin binding protein 1; minus strand). Cytogenetic location: 6p22.3.
Variant type: single nucleotide variant.
Coding change: c.161+2T>G on transcript NM_032122.5 (MANE Select); the canonical splice donor site of the intron after coding-DNA position 161, T replaced by G.
Molecular consequence: splice donor variant. On other transcripts: intron variant (2).
Genome position (GRCh38, 1-based): chr6:15,651,311, A>C on the plus strand (T>G on the coding strand, the complement: DTNBP1 is on the minus strand). VCF-style: chr6-15651311-A-C. GRCh37 (hg19) VCF-style: chr6-15651542-A-C.
Other names: c.56+11503T>G (NM_001271669.2); c.110+776T>G (NM_001271668.2); c.-83+2T>G (NM_001271667.2); c.161+2T>G (NM_183040.2).
Identifiers: ClinVar variation 1480225 (VCV001480225.6), dbSNP rs2113807931, ClinGen allele CA362869650.

ClinVar aggregate classification (germline): Likely pathogenic (1 of 4 stars; one submission).

Allele frequency attached by ClinVar (database versions not stated): gnomAD exomes below 0.00001.
gnomAD v4.1: 2 of 1,611,548 alleles (0.00012%); highest among the groups gnomAD compares: Non-Finnish European, 0.00017%; no homozygotes.

Submission:

Labcorp Genetics (formerly Invitae), Labcorp
Classification: Likely pathogenic. Last evaluated: 2021-07-22. Review status: criteria provided, single submitter. Criteria: Invitae Variant Classification Sherloc (09022015). Collection method: clinical testing. Allele origin: germline.
Comment: In summary, the currently available evidence indicates that the variant is pathogenic, but additional data are needed to prove that conclusively. Therefore, this variant has been classified as Likely Pathogenic. Algorithms developed to predict the effect of sequence changes on RNA splicing suggest that this variant may disrupt the consensus splice site. This variant has not been reported in the literature in individuals affected with DTNBP1-related conditions. This variant is not present in population databases (ExAC no frequency). This sequence change affects a donor splice site in intron 3 of the DTNBP1 gene. It is expected to disrupt RNA splicing. Variants that disrupt the donor or acceptor splice site typically lead to a loss of protein function (PMID: 16199547), and loss-of-function variants in DTNBP1 are known to be pathogenic (PMID: 12923531, 23364359).

Literature cited by the submitters: PubMed 16199547; PubMed 12923531; PubMed 23364359.